The following is an entry in ClinVar:

NM_001330701.2(AGTPBP1):c.3349C>T (p.Gln1117Ter)

Gene: AGTPBP1 (ATP/GTP binding carboxypeptidase 1; minus strand). Cytogenetic location: 9q21.33.
Variant type: single nucleotide variant.
Coding change: c.3349C>T on transcript NM_001330701.2 (MANE Select); coding-DNA position 3349, C replaced by T.
Protein change: p.Gln1117Ter; replaces glutamine 1117 with a stop codon.
Molecular consequence: nonsense.
Genome position (GRCh38, 1-based): chr9:85,575,469, G>A on the plus strand (C>T on the coding strand, the complement: AGTPBP1 is on the minus strand). VCF-style: chr9-85575469-G-A. GRCh37 (hg19) VCF-style: chr9-88190384-G-A.
Other names: c.3505C>T, p.Gln1169Ter (NM_001286715.1); c.3385C>T, p.Gln1129Ter (NM_001286717.1); c.3229C>T, p.Gln1077Ter (NM_015239.3); short protein forms Q1077*, Q1117*, Q1129*, Q1169*.
Identifiers: ClinVar variation 3772519 (VCV003772519.13).

ClinVar aggregate classification (germline): Pathogenic (1 of 4 stars; one submission).

Submission:

CeGaT Center for Human Genetics Tuebingen
Classification: Pathogenic. Last evaluated: 2025-02-01. Review status: criteria provided, single submitter. Criteria: CeGaT Center For Human Genetics Tuebingen Variant Classification Criteria Version 2. Collection method: clinical testing. Allele origin: germline. Affected: yes. Observed: 1 variant allele.
Comment: AGTPBP1: PVS1, PM2, PM3:Supporting